The following is an entry in ClinVar:

NM_001375524.1(TRRAP):c.178A>G (p.Thr60Ala)

Gene: TRRAP (transformation/transcription domain associated protein; plus strand). Cytogenetic location: 7q22.1.
Variant type: single nucleotide variant.
Coding change: c.178A>G on transcript NM_001375524.1 (MANE Select); coding-DNA position 178, A replaced by G.
Protein change: p.Thr60Ala; replaces threonine 60 with alanine.
Molecular consequence: missense variant.
Genome position (GRCh38, 1-based): chr7:98,890,362, A>G. VCF-style: chr7-98890362-A-G. GRCh37 (hg19) VCF-style: chr7-98487985-A-G.
Other names: c.178A>G, p.Thr60Ala (NM_001244580.2, NM_003496.4); c.178A>G (NM_003496.3); short protein forms T60A.
Identifiers: ClinVar variation 3617472 (VCV003617472.3).
Genomic context (GRCh38, chr7:98,890,362, plus strand): 5'-ACTGAATGGGGTCTTTTATTTTTGCACAATTAGAATGTCACGTCATCTCCTCAGTATTCT[A>G]CATTCCTAGAACATATCATCCCTCGATTCCTTACATTTCTCCAAGATGGAGAAGTTCAGT-3'
Protein context (NP_001362453.1, residues 50-70): ENVTSSPQYS[Thr60Ala]FLEHIIPRFL

ClinVar aggregate classification (germline): Uncertain significance. Review status: criteria provided, multiple submitters, no conflicts (2 of 4 stars). 2 submissions from 2 submitters: Uncertain significance (2). Last evaluated 2026-02-03.

gnomAD v4.1: 2 of 1,595,812 alleles (0.00013%); highest among the groups gnomAD compares: South Asian, 0.0012%; no homozygotes.

Submissions (2):

GeneDx
Classification: Uncertain significance. Last evaluated: 2026-02-03. Review status: criteria provided, single submitter. Criteria: GeneDx Variant Classification Process June 2021. Collection method: clinical testing. Allele origin: germline.
Comment: Not observed at significant frequency in large population cohorts (gnomAD); In silico analysis suggests that this missense variant does not alter protein structure/function; Has not been previously published as pathogenic or benign to our knowledge

Labcorp Genetics (formerly Invitae), Labcorp
Classification: Uncertain significance. Last evaluated: 2024-04-25. Review status: criteria provided, single submitter. Criteria: Invitae Variant Classification Sherloc (09022015). Collection method: clinical testing. Allele origin: germline.
Comment: This sequence change replaces threonine, which is neutral and polar, with alanine, which is neutral and non-polar, at codon 60 of the TRRAP protein (p.Thr60Ala). This variant is not present in population databases (gnomAD no frequency). This variant has not been reported in the literature in individuals affected with TRRAP-related conditions. Advanced modeling of protein sequence and biophysical properties (such as structural, functional, and spatial information, amino acid conservation, physicochemical variation, residue mobility, and thermodynamic stability) performed at Invitae indicates that this missense variant is not expected to disrupt TRRAP protein function with a negative predictive value of 80%. In summary, the available evidence is currently insufficient to determine the role of this variant in disease. Therefore, it has been classified as a Variant of Uncertain Significance.